The following is an entry in ClinVar:

NM_007294.4(BRCA1):c.3056T>G (p.Ile1019Ser)

Gene: BRCA1 (BRCA1 DNA repair associated; minus strand). Cytogenetic location: 17q21.31.
Variant type: single nucleotide variant.
Coding change: c.3056T>G on transcript NM_007294.4 (MANE Select); coding-DNA position 3056, T replaced by G.
Protein change: p.Ile1019Ser; replaces isoleucine 1019 with serine.
Molecular consequence: missense variant. On other transcripts: intron variant (137).
Genome position (GRCh38, 1-based): chr17:43,092,475, A>C on the plus strand (T>G on the coding strand, the complement: BRCA1 is on the minus strand). VCF-style: chr17-43092475-A-C. GRCh37 (hg19) VCF-style: chr17-41244492-A-C.
Other names: c.644-1443T>G (NM_001408464.1, NM_001408468.1, NM_001408470.1 and 3 more transcripts); c.524-1443T>G (NM_001408498.1, NM_001408496.1, NM_001408500.1 and 3 more transcripts); c.647-1443T>G (NM_001408467.1, NM_001408459.1, NM_001408460.1 and 11 more transcripts); c.584-1443T>G (NM_001408475.1); c.710-1443T>G (NM_001408412.1, NM_001408409.1, NM_001408414.1 and 2 more transcripts); c.452-1443T>G (NM_001408509.1, NM_001408508.1); c.575-1443T>G (NM_001408491.1, NM_001408493.1, NM_001408490.1); c.461-1443T>G (NM_001408506.1, NM_001408507.1); and 41 more; short protein forms I972S, I1019S, I1016S, I931S, I951S, I952S, I977S, I1018S.
Identifiers: ClinVar variation 1505013 (VCV001505013.11), dbSNP rs2154344910, ClinGen allele CA10595875.

ClinVar aggregate classification (germline): Conflicting classifications of pathogenicity. Review status: criteria provided, conflicting classifications (1 of 4 stars). 2 submissions from 2 submitters: Uncertain significance (1); Likely benign (1). Last evaluated 2023-03-23.

Conditions:
Hereditary cancer-predisposing syndrome. Also called: Hereditary neoplastic syndrome; Tumor predisposition; Neoplastic Syndromes, Hereditary; Hereditary Cancer Syndrome. Identifiers: Orphanet 140162, MedGen C0027672, MeSH D009386, MONDO:0015356.
Hereditary breast ovarian cancer syndrome. Also called: Hereditary breast and ovarian cancer; Breast and ovarian cancer; BRCA1- and BRCA2-Associated Hereditary Breast and Ovarian Cancer; Hereditary breast and/or ovarian cancer syndrome; Hereditary breast and ovarian cancer syndrome; Hereditary breast and ovarian cancer syndrome (HBOC). Identifiers: Orphanet 145, MedGen C0677776, MeSH D061325, MONDO:0003582. Disease mechanism: loss of function.

Submissions (2):

University of Washington Department of Laboratory Medicine, University of Washington
Classification: Likely benign for Hereditary cancer-predisposing syndrome. Last evaluated: 2023-03-23. Review status: criteria provided, single submitter. Criteria: Dines et al. (Genet Med. 2020). Collection method: curation. Allele origin: germline.
Comment: Missense variant in a coldspot region where missense variants are very unlikely to be pathogenic (PMID:31911673).

BRCA1 coldspot (exon 11 using historical exon numbering). Reclassification based on statistical prior probability

Labcorp Genetics (formerly Invitae), Labcorp
Classification: Uncertain significance for Hereditary breast ovarian cancer syndrome. Last evaluated: 2021-05-10. Review status: criteria provided, single submitter. Criteria: Invitae Variant Classification Sherloc (09022015). Collection method: clinical testing. Allele origin: germline.
Comment: In summary, the available evidence is currently insufficient to determine the role of this variant in disease. Therefore, it has been classified as a Variant of Uncertain Significance. Advanced modeling of protein sequence and biophysical properties (such as structural, functional, and spatial information, amino acid conservation, physicochemical variation, residue mobility, and thermodynamic stability) performed at Invitae indicates that this missense variant is not expected to disrupt BRCA1 protein function. This variant has not been reported in the literature in individuals with BRCA1-related conditions. This variant is not present in population databases (ExAC no frequency). This sequence change replaces isoleucine with serine at codon 1019 of the BRCA1 protein (p.Ile1019Ser). The isoleucine residue is moderately conserved and there is a large physicochemical difference between isoleucine and serine.